The following is an entry in ClinVar:

ClinVar aggregate classification (germline): Conflicting classifications of pathogenicity. Review status: criteria provided, conflicting classifications (1 of 4 stars). 3 submissions from 3 submitters: Uncertain significance (2); Benign (1). Last evaluated 2025-08-18.

Conditions:
Hereditary cancer-predisposing syndrome. Also called: Tumor predisposition; Neoplastic Syndromes, Hereditary; Hereditary Cancer Syndrome; Hereditary neoplastic syndrome. Identifiers: Orphanet 140162, MedGen C0027672, MeSH D009386, MONDO:0015356.
Gorlin syndrome. Also called: Basal cell nevus syndrome; Nevoid Basal Cell Carcinoma Syndrome. Identifiers: Orphanet 377, MedGen C0004779, MONDO:0007187.

Allele frequency attached by ClinVar (database versions not stated): TOPMed 0.00001.

Submissions (3):

Labcorp Genetics (formerly Invitae), Labcorp
Classification: Benign for Gorlin syndrome. Last evaluated: 2025-08-18. Review status: criteria provided, single submitter. Criteria: Invitae Variant Classification Sherloc (09022015). Collection method: clinical testing. Allele origin: germline.

Ambry Genetics
Classification: Uncertain significance for Hereditary cancer-predisposing syndrome. Last evaluated: 2024-05-22. Review status: criteria provided, single submitter. Criteria: Ambry Variant Classification Scheme 2023. Collection method: clinical testing. Allele origin: germline.
Comment: The p.T416I variant (also known as c.1247C>T), located in coding exon 9 of the PTCH1 gene, results from a C to T substitution at nucleotide position 1247. The threonine at codon 416 is replaced by isoleucine, an amino acid with similar properties. This amino acid position is not well conserved in available vertebrate species. In addition, the in silico prediction for this alteration is inconclusive. Based on the available evidence, the clinical significance of this variant remains unclear.

GeneDx
Classification: Uncertain significance. Last evaluated: 2023-07-20. Review status: criteria provided, single submitter. Criteria: GeneDx Variant Classification Process June 2021. Collection method: clinical testing. Allele origin: germline. Affected: yes.
Comment: In silico analysis supports that this missense variant has a deleterious effect on protein structure/function; Has not been previously published as pathogenic or benign to our knowledge; This variant is associated with the following publications: (PMID: 31186761, 8906794)

NM_000264.5(PTCH1):c.1247C>T (p.Thr416Ile)

Gene: PTCH1 (patched 1; minus strand). Cytogenetic location: 9q22.32.
Variant type: single nucleotide variant.
Coding change: c.1247C>T on transcript NM_000264.5 (MANE Select); coding-DNA position 1247, C replaced by T.
Protein change: p.Thr416Ile; replaces threonine 416 with isoleucine.
Molecular consequence: missense variant. On other transcripts: non-coding transcript variant (1).
Genome position (GRCh38, 1-based): chr9:95,478,155, G>A on the plus strand (C>T on the coding strand, the complement: PTCH1 is on the minus strand). VCF-style: chr9-95478155-G-A. GRCh37 (hg19) VCF-style: chr9-98240437-G-A.
Other names: c.1049C>T, p.Thr350Ile (NM_001083602.3); c.1244C>T, p.Thr415Ile (NM_001083603.3); c.794C>T, p.Thr265Ile (NM_001083604.3, NM_001083605.3, NM_001083606.3 and 1 more transcripts); c.1247C>T, p.Thr416Ile (NM_001354918.2); short protein forms T350I, T416I, T415I, T265I.
Identifiers: ClinVar variation 486194 (VCV000486194.15), dbSNP rs201174718, ClinGen allele CA5138713.